The following is an entry in ClinVar:

ClinVar aggregate classification (germline): Likely benign (1 of 4 stars; one submission).

Allele frequency attached by ClinVar (database versions not stated): gnomAD 0.00738 and 0.00778; TOPMed 0.00818; 1000 Genomes Project 0.00839; 1000 Genomes Project 30x 0.00953.
gnomAD v4.1: 1,109 of 152,316 alleles (0.73%); highest among the groups gnomAD compares: African/African-American, 2.6%; 11 homozygotes.

Submission:

GeneDx
Classification: Likely benign. Last evaluated: 2018-06-19. Review status: criteria provided, single submitter. Criteria: GeneDx Variant Classification (06012015). Collection method: clinical testing. Allele origin: germline. Affected: yes.
Comment: This variant is considered likely benign or benign based on one or more of the following criteria: it is a conservative change, it occurs at a poorly conserved position in the protein, it is predicted to be benign by multiple in silico algorithms, and/or has population frequency not consistent with disease.

NM_007254.4(PNKP):c.498+233G>T

Gene: PNKP (polynucleotide kinase 3'-phosphatase; minus strand). Cytogenetic location: 19q13.33.
Variant type: single nucleotide variant.
Coding change: c.498+233G>T on transcript NM_007254.4 (MANE Select); 233 bases into the intron after coding-DNA position 498, G replaced by T.
Molecular consequence: intron variant.
Genome position (GRCh38, 1-based): chr19:49,864,894, C>A on the plus strand (G>T on the coding strand, the complement: PNKP is on the minus strand). VCF-style: chr19-49864894-C-A. GRCh37 (hg19) VCF-style: chr19-50368151-C-A.
Identifiers: ClinVar variation 677604 (VCV000677604.1), dbSNP rs79622873, ClinGen allele CA309498154.